The following is an entry in ClinVar:

ClinVar aggregate classification (germline): Likely benign (1 of 4 stars; one submission).

Allele frequency attached by ClinVar (database versions not stated): gnomAD 0.00042; TOPMed 0.00042; gnomAD exomes 0.00060; ExAC 0.00100; ESP Exome Variant Server 0.00100.
gnomAD v4.1: 968 of 1,614,178 alleles (0.06%); highest among the groups gnomAD compares: Middle Eastern, 0.56%; 4 homozygotes.

Submission:

CeGaT Center for Human Genetics Tuebingen
Classification: Likely benign. Last evaluated: 2023-06-01. Review status: criteria provided, single submitter. Criteria: CeGaT Center For Human Genetics Tuebingen Variant Classification Criteria Version 2. Collection method: clinical testing. Allele origin: germline. Affected: yes. Observed: 1 variant allele.
Comment: BIRC3: BP4, BP7

NM_001165.5(BIRC3):c.459T>C (p.Asp153=)

Gene: BIRC3 (baculoviral IAP repeat containing 3; plus strand). Cytogenetic location: 11q22.2.
Variant type: single nucleotide variant.
Coding change: c.459T>C on transcript NM_001165.5 (MANE Select); coding-DNA position 459, T replaced by C.
Protein change: p.Asp153=; no amino-acid change (aspartic acid 153 retained).
Molecular consequence: synonymous variant.
Genome position (GRCh38, 1-based): chr11:102,324,968, T>C. VCF-style: chr11-102324968-T-C. GRCh37 (hg19) VCF-style: chr11-102195699-T-C.
Other names: c.459T>C, p.Asp153= (NM_182962.3).
Identifiers: ClinVar variation 2642318 (VCV002642318.24), dbSNP rs138773847, ClinGen allele CA6246602.